The following is an entry in ClinVar:

NM_001330691.3(CEP78):c.1601T>G (p.Phe534Cys)

Gene: CEP78 (centrosomal protein 78; plus strand). Cytogenetic location: 9q21.2.
Variant type: single nucleotide variant.
Coding change: c.1601T>G on transcript NM_001330691.3 (MANE Select); coding-DNA position 1601, T replaced by G.
Protein change: p.Phe534Cys; replaces phenylalanine 534 with cysteine.
Molecular consequence: missense variant.
Genome position (GRCh38, 1-based): chr9:78,264,292, T>G. VCF-style: chr9-78264292-T-G. GRCh37 (hg19) VCF-style: chr9-80879208-T-G.
Other names: c.1604T>G, p.Phe535Cys (NM_001098802.3, NM_001349839.2, NM_001349840.2 and 1 more transcripts); c.1601T>G, p.Phe534Cys (NM_001330693.3, NM_001330694.2, NM_001349838.2); short protein forms F534C, F535C.
Identifiers: ClinVar variation 930950 (VCV000930950.3), dbSNP rs1827411654, ClinGen allele CA373864659.
Genomic context (GRCh38, chr9:78,264,292, plus strand): 5'-TCCTGGATGATGAAGGTGTTTTGGGCAGCATTGAGAATTCTTTTCAGAAGTTTCATGCTT[T>G]CTTGGATCTCCTTAAAGATGCTGGGTTAGTTACTTTCTCCCTATGACATTCGTCCCTCCA-3'
Protein context (NP_001317620.1, residues 524-544): IENSFQKFHA[Phe534Cys]LDLLKDAGLG

ClinVar aggregate classification (germline): Uncertain significance (1 of 4 stars; one submission).

Conditions:
Cone-rod dystrophy and hearing loss 1 (CRDHL1). Identifiers: MedGen C5193018, MONDO:0020778, OMIM 617236.

Submission:

Centre for Mendelian Genomics, University Medical Centre Ljubljana
Classification: Uncertain significance for Cone-rod dystrophy and hearing loss 1. Last evaluated: 2020-03-22. Review status: criteria provided, single submitter. Criteria: ACMG Guidelines, 2015. Collection method: clinical testing. Allele origin: unknown. Affected: yes.
Comment: This variant was classified as: Uncertain significance. The available evidence on this variant's pathogenicity is insufficient or conflicting. The following ACMG criteria were applied in classifying this variant: PM2.